The following is an entry in ClinVar:

ClinVar aggregate classification (germline): Likely pathogenic (1 of 4 stars; one submission).

Conditions:
TP63-Related Spectrum Disorders.

Submission:

Labcorp Genetics (formerly Invitae), Labcorp
Classification: Likely pathogenic. Last evaluated: 2019-08-16. Review status: criteria provided, single submitter. Criteria: Invitae Variant Classification Sherloc (09022015). Collection method: clinical testing. Allele origin: germline.
Comment: This sequence change replaces asparagine with lysine at codon 246 of the TP63 protein (p.Asn246Lys). The asparagine residue is highly conserved and there is a moderate physicochemical difference between asparagine and lysine. In summary, the currently available evidence indicates that the variant is pathogenic, but additional data are needed to prove that conclusively. Therefore, this variant has been classified as Likely Pathogenic. Algorithms developed to predict the effect of missense changes on protein structure and function are either unavailable or do not agree on the potential impact of this missense change (SIFT: "Deleterious"; PolyPhen-2: "Probably Damaging"; Align-GVGD: "Class C0"). This variant is not present in population databases (ExAC no frequency).

NM_003722.5(TP63):c.738C>G (p.Asn246Lys)

Gene: TP63 (tumor protein p63; plus strand). Cytogenetic location: 3q28.
Variant type: single nucleotide variant.
Coding change: c.738C>G on transcript NM_003722.5 (MANE Select); coding-DNA position 738, C replaced by G.
Protein change: p.Asn246Lys; replaces asparagine 246 with lysine.
Molecular consequence: missense variant.
Genome position (GRCh38, 1-based): chr3:189,864,390, C>G. VCF-style: chr3-189864390-C-G. GRCh37 (hg19) VCF-style: chr3-189582179-C-G.
Other names: c.738C>G, p.Asn246Lys (NM_001114978.2, NM_001114979.2, NM_001329144.2 and 1 more transcripts); c.456C>G, p.Asn152Lys (NM_001114980.2, NM_001114981.2, NM_001114982.2 and 2 more transcripts); c.201C>G, p.Asn67Lys (NM_001329146.2, NM_001329150.2); c.732C>G, p.Asn244Lys (NM_001329964.2); short protein forms N152K, N246K, N244K, N67K.
Identifiers: ClinVar variation 653417 (VCV000653417.6), dbSNP rs1192374789, ClinGen allele CA355753768.